The following is an entry in ClinVar:

ClinVar aggregate classification (germline): Conflicting classifications of pathogenicity. Review status: criteria provided, conflicting classifications (1 of 4 stars). 5 submissions from 5 submitters: Uncertain significance (4); Likely benign (1). Last evaluated 2026-05-10.

Conditions:
Cardiovascular phenotype. Identifiers: MedGen CN230736.
Dilated cardiomyopathy 1JJ (CMD1JJ). Identifiers: Orphanet 154, MedGen C3808935, MONDO:0014095, OMIM 615235.

Allele frequency attached by ClinVar (database versions not stated): ESP Exome Variant Server 0.00038; TOPMed 0.00025; ExAC 0.00006; gnomAD 0.00020 and 0.00022; gnomAD exomes 0.00005 and 0.00001; 1000 Genomes Project 0.00040; 1000 Genomes Project 30x 0.00031.
gnomAD v4.1: 48 of 1,614,156 alleles (0.003%); highest among the groups gnomAD compares: African/African-American, 0.059%; no homozygotes.

Submissions (5):

GeneDx
Classification: Uncertain significance. Last evaluated: 2026-05-10. Review status: criteria provided, single submitter. Criteria: GeneDx Variant Classification Process June 2021. Collection method: clinical testing. Allele origin: germline.
Comment: Has not been previously published as pathogenic or benign to our knowledge; In silico analysis supports that this missense variant has a deleterious effect on protein structure/function

Women's Health and Genetics/Laboratory Corporation of America, LabCorp
Classification: Likely benign. Last evaluated: 2026-04-02. Review status: criteria provided, single submitter. Criteria: LabCorp Variant Classification Summary - May 2015. Collection method: clinical testing. Allele origin: germline.
Comment: Variant summary: LAMA4 c.578C>T (p.Ser193Leu) results in a non-conservative amino acid change in the encoded protein sequence. Algorithms developed to predict the effect of missense changes on protein structure and function are either unavailable or do not agree on the potential impact of this missense change. The variant allele was found at a frequency of 4.8e-05 in 250790 control chromosomes, predominantly at a frequency of 0.00074 within the African or African-American subpopulation in the gnomAD database. The observed variant frequency within African or African-American control individuals in the gnomAD database exceeds the estimated maximal expected allele frequency for disease-causing variants in LAMA4. To our knowledge, no occurrence of c.578C>T in individuals affected with LAMA4-related conditions and no experimental evidence demonstrating its impact on protein function have been reported. ClinVar contains an entry for this variant (Variation ID: 969828). Based on the evidence outlined above, the variant was classified as likely benign.

Labcorp Genetics (formerly Invitae), Labcorp
Classification: Uncertain significance for Dilated cardiomyopathy 1JJ. Last evaluated: 2025-07-14. Review status: criteria provided, single submitter. Criteria: Invitae Variant Classification Sherloc (09022015). Collection method: clinical testing. Allele origin: germline.
Comment: This sequence change replaces serine, which is neutral and polar, with leucine, which is neutral and non-polar, at codon 193 of the LAMA4 protein (p.Ser193Leu). This variant is present in population databases (rs147870828, gnomAD 0.07%), and has an allele count higher than expected for a pathogenic variant. This variant has not been reported in the literature in individuals affected with LAMA4-related conditions. ClinVar contains an entry for this variant (Variation ID: 969828). Invitae Evidence Modeling of protein sequence and biophysical properties (such as structural, functional, and spatial information, amino acid conservation, physicochemical variation, residue mobility, and thermodynamic stability) indicates that this missense variant is expected to disrupt LAMA4 protein function with a positive predictive value of 80%. In summary, the available evidence is currently insufficient to determine the role of this variant in disease. Therefore, it has been classified as a Variant of Uncertain Significance.

Ambry Genetics
Classification: Uncertain significance for Cardiovascular phenotype. Last evaluated: 2024-03-28. Review status: criteria provided, single submitter. Criteria: Ambry Variant Classification Scheme 2023. Collection method: clinical testing. Allele origin: germline.
Comment: The p.S193L variant (also known as c.578C>T), located in coding exon 5 of the LAMA4 gene, results from a C to T substitution at nucleotide position 578. The serine at codon 193 is replaced by leucine, an amino acid with dissimilar properties. This amino acid position is highly conserved in available vertebrate species. In addition, this alteration is predicted to be deleterious by in silico analysis. The evidence for this gene-disease relationship is limited; therefore, the clinical significance of this alteration is unclear.

Fulgent Genetics
Classification: Uncertain significance for Dilated cardiomyopathy 1JJ. Last evaluated: 2021-08-24. Review status: criteria provided, single submitter. Criteria: ACMG Guidelines, 2015. Collection method: clinical testing. Allele origin: unknown.

NM_001105206.3(LAMA4):c.578C>T (p.Ser193Leu)

Gene: LAMA4 (laminin subunit alpha 4; minus strand). Cytogenetic location: 6q21.
Variant type: single nucleotide variant.
Coding change: c.578C>T on transcript NM_001105206.3 (MANE Select); coding-DNA position 578, C replaced by T.
Protein change: p.Ser193Leu; replaces serine 193 with leucine.
Molecular consequence: missense variant.
Genome position (GRCh38, 1-based): chr6:112,191,776, G>A on the plus strand (C>T on the coding strand, the complement: LAMA4 is on the minus strand). VCF-style: chr6-112191776-G-A. GRCh37 (hg19) VCF-style: chr6-112512978-G-A.
Other names: c.578C>T, p.Ser193Leu (NM_001105207.3, NM_002290.5); short protein forms S193L.
Identifiers: ClinVar variation 969828 (VCV000969828.14), dbSNP rs147870828, ClinGen allele CA3966097.